The following is an entry in ClinVar:

ClinVar aggregate classification (germline): Uncertain significance (1 of 4 stars; one submission).

Conditions:
Glycogen storage disease, type II (IOPD). Also called: GLYCOGENOSIS, GENERALIZED, CARDIAC FORM; GSD II; Glycogen storage disease type 2; Acid maltase deficiency disease; Aglucosidase alfa; Deficiency of alpha-glucosidase. Identifiers: Orphanet 365, MedGen C0017921, MONDO:0009290, OMIM 232300.

Submission:

Labcorp Genetics (formerly Invitae), Labcorp
Classification: Uncertain significance for Glycogen storage disease, type II. Last evaluated: 2025-07-14. Review status: criteria provided, single submitter. Criteria: Invitae Variant Classification Sherloc (09022015). Collection method: clinical testing. Allele origin: germline.
Comment: This sequence change replaces proline, which is neutral and non-polar, with glutamine, which is neutral and polar, at codon 198 of the GAA protein (p.Pro198Gln). This variant is not present in population databases (gnomAD no frequency). This variant has not been reported in the literature in individuals affected with GAA-related conditions. ClinVar contains an entry for this variant (Variation ID: 1516583). Invitae Evidence Modeling of protein sequence and biophysical properties (such as structural, functional, and spatial information, amino acid conservation, physicochemical variation, residue mobility, and thermodynamic stability) has been performed for this missense variant. However, the output from this modeling did not meet the statistical confidence thresholds required to predict the impact of this variant on GAA protein function. In summary, the available evidence is currently insufficient to determine the role of this variant in disease. Therefore, it has been classified as a Variant of Uncertain Significance.

NM_000152.5(GAA):c.593C>A (p.Pro198Gln)

Gene: GAA (alpha glucosidase; plus strand). Cytogenetic location: 17q25.3.
Variant type: single nucleotide variant.
Coding change: c.593C>A on transcript NM_000152.5 (MANE Select); coding-DNA position 593, C replaced by A.
Protein change: p.Pro198Gln; replaces proline 198 with glutamine.
Molecular consequence: missense variant.
Genome position (GRCh38, 1-based): chr17:80,105,795, C>A. VCF-style: chr17-80105795-C-A. GRCh37 (hg19) VCF-style: chr17-78079594-C-A.
Other names: c.593C>A, p.Pro198Gln (NM_001079803.3, NM_001079804.3); short protein forms P198Q.
Identifiers: ClinVar variation 1516583 (VCV001516583.6), dbSNP rs765075888, ClinGen allele CA401362212.
Genomic context (GRCh38, chr17:80,105,795, plus strand): 5'-CCCATCTCTTCTAGATCAAAGATCCAGCTAACAGGCGCTACGAGGTGCCCTTGGAGACCC[C>A]GCATGTCCACAGCCGGGCACCGTCCCCACTCTACAGCGTGGAGTTCTCCGAGGAGCCCTT-3'
Protein context (NP_000143.2, residues 188-208): NRRYEVPLET[Pro198Gln]HVHSRAPSPL